The following is an entry in ClinVar:

NM_014241.4(HACD1):c.322T>C (p.Tyr108His)

Gene: HACD1 (3-hydroxyacyl-CoA dehydratase 1; minus strand). Cytogenetic location: 10p12.33.
Variant type: single nucleotide variant.
Coding change: c.322T>C on transcript NM_014241.4 (MANE Select); coding-DNA position 322, T replaced by C.
Protein change: p.Tyr108His; replaces tyrosine 108 with histidine.
Molecular consequence: missense variant.
Genome position (GRCh38, 1-based): chr10:17,603,983, A>G on the plus strand (T>C on the coding strand, the complement: HACD1 is on the minus strand). VCF-style: chr10-17603983-A-G. GRCh37 (hg19) VCF-style: chr10-17645982-A-G.
Other names: c.322T>C (NM_014241.3); short protein forms Y108H.
Identifiers: ClinVar variation 1924846 (VCV001924846.6), dbSNP rs1834107555, ClinGen allele CA376196876.

ClinVar aggregate classification (germline): Uncertain significance. Review status: criteria provided, multiple submitters, no conflicts (2 of 4 stars). 3 submissions from 3 submitters: Uncertain significance (3). Last evaluated 2024-11-04.

Conditions:
Inborn genetic diseases. Identifiers: MedGen C0950123, MeSH D030342.

Allele frequency attached by ClinVar (database versions not stated): gnomAD 0.00001; gnomAD exomes 0.00001.
gnomAD v4.1: 16 of 1,612,308 alleles (0.00099%); highest among the groups gnomAD compares: South Asian, 0.017%; 1 homozygote.

Submissions (3):

Labcorp Genetics (formerly Invitae), Labcorp
Classification: Uncertain significance. Last evaluated: 2024-11-04. Review status: criteria provided, single submitter. Criteria: Invitae Variant Classification Sherloc (09022015). Collection method: clinical testing. Allele origin: germline.
Comment: This sequence change replaces tyrosine, which is neutral and polar, with histidine, which is basic and polar, at codon 108 of the HACD1 protein (p.Tyr108His). This variant is not present in population databases (gnomAD no frequency). This variant has not been reported in the literature in individuals affected with HACD1-related conditions. ClinVar contains an entry for this variant (Variation ID: 1924846). Invitae Evidence Modeling of protein sequence and biophysical properties (such as structural, functional, and spatial information, amino acid conservation, physicochemical variation, residue mobility, and thermodynamic stability) indicates that this missense variant is not expected to disrupt HACD1 protein function with a negative predictive value of 80%. In summary, the available evidence is currently insufficient to determine the role of this variant in disease. Therefore, it has been classified as a Variant of Uncertain Significance.

Ambry Genetics
Classification: Uncertain significance for Inborn genetic diseases. Last evaluated: 2024-04-09. Review status: criteria provided, single submitter. Criteria: Ambry Variant Classification Scheme 2023. Collection method: clinical testing. Allele origin: germline.

GeneDx
Classification: Uncertain significance. Last evaluated: 2022-10-18. Review status: criteria provided, single submitter. Criteria: GeneDx Variant Classification Process June 2021. Collection method: clinical testing. Allele origin: germline. Affected: yes.
Comment: Not observed at significant frequency in large population cohorts (gnomAD); In silico analysis supports that this missense variant has a deleterious effect on protein structure/function; Has not been previously published as pathogenic or benign to our knowledge